The following is an entry in ClinVar:

NM_001876.4(CPT1A):c.2235+178A>G

Gene: CPT1A (carnitine palmitoyltransferase 1A; minus strand). Cytogenetic location: 11q13.3.
Variant type: single nucleotide variant.
Coding change: c.2235+178A>G on transcript NM_001876.4 (MANE Select); 178 bases into the intron after coding-DNA position 2235, A replaced by G.
Molecular consequence: intron variant.
Genome position (GRCh38, 1-based): chr11:68,759,391, T>C on the plus strand (A>G on the coding strand, the complement: CPT1A is on the minus strand). VCF-style: chr11-68759391-T-C. GRCh37 (hg19) VCF-style: chr11-68526859-T-C.
Other names: c.2235+178A>G (NM_001031847.3).
Identifiers: ClinVar variation 1687677 (VCV001687677.2), dbSNP rs111558940, ClinGen allele CA223365575.

ClinVar aggregate classification (germline): Likely benign (1 of 4 stars; one submission).

Allele frequency attached by ClinVar (database versions not stated): 1000 Genomes Project 0.00978; gnomAD 0.00992 and 0.01070; TOPMed 0.01042; 1000 Genomes Project 30x 0.01140.
gnomAD v4.1: 1,477 of 150,524 alleles (0.98%); highest among the groups gnomAD compares: African/African-American, 3.4%; 29 homozygotes.

Submission:

GeneDx
Classification: Likely benign. Last evaluated: 2021-05-24. Review status: criteria provided, single submitter. Criteria: GeneDx Variant Classification Process June 2021. Collection method: clinical testing. Allele origin: germline. Affected: yes.
Comment: See Variant Classification Assertion Criteria.